The following is an entry in ClinVar:

NM_001378452.1(ITPR1):c.7432G>C (p.Glu2478Gln)

Gene: ITPR1 (inositol 1,4,5-trisphosphate receptor type 1; plus strand). Cytogenetic location: 3p26.1.
Variant type: single nucleotide variant.
Coding change: c.7432G>C on transcript NM_001378452.1 (MANE Select); coding-DNA position 7432, G replaced by C.
Protein change: p.Glu2478Gln; replaces glutamic acid 2478 with glutamine.
Molecular consequence: missense variant.
Genome position (GRCh38, 1-based): chr3:4,811,424, G>C. VCF-style: chr3-4811424-G-C. GRCh37 (hg19) VCF-style: chr3-4853108-G-C.
Other names: c.7288G>C, p.Glu2430Gln (NM_001099952.4); c.7387G>C, p.Glu2463Gln (NM_001168272.2); c.7243G>C, p.Glu2415Gln (NM_002222.7); short protein forms E2415Q, E2430Q, E2463Q, E2478Q.
Identifiers: ClinVar variation 4885400 (VCV004885400.2).
Genomic context (GRCh38, chr3:4,811,424, plus strand): 5'-ATCCTCGTTTACCTGTTCTCAATAGTGGGCTATCTTTTCTTCAAGGATGACTTTATCTTG[G>C]AAGTAGATAGGCTGCCCAATGAAACAGCTGTTCCAGGTGGGTTTGGGATCTTCTGATCTT-3'
Protein context (NP_001365381.1, residues 2468-2488): YLFFKDDFIL[Glu2478Gln]VDRLPNETAV

ClinVar aggregate classification (germline): Uncertain significance (1 of 4 stars; one submission).

gnomAD v4.1: 2 of 1,613,908 alleles (0.00012%); highest among the groups gnomAD compares: East Asian, 0.0045%; no homozygotes.

Submission:

Dasa
Classification: Uncertain significance. Last evaluated: 2025-09-20. Review status: criteria provided, single submitter. Criteria: DASA Assertion Criteria. Collection method: clinical testing. Allele origin: germline.
Comment: NM_001378452.1(ITPR1):c.7432G>C (p.Glu2478Gln) is a missense variant that results in the substitution of glutamic acid with glutamine. The affected residue or protein region has prior evidence supporting clinical relevance. This variant is rare in population databases. Computational prediction algorithms are consistent with a deleterious effect. The currently available literature and clinical evidence are not sufficient to establish a definitive association between this variant and the reported condition. Therefore, this variant is classified as a variant of uncertain significance.